The following is an entry in ClinVar:

NM_001042492.3(NF1):c.5269G>T (p.Val1757Phe)

Gene: NF1 (neurofibromin 1; plus strand). Cytogenetic location: 17q11.2.
Variant type: single nucleotide variant.
Coding change: c.5269G>T on transcript NM_001042492.3 (MANE Select); coding-DNA position 5269, G replaced by T.
Protein change: p.Val1757Phe; replaces valine 1757 with phenylalanine.
Molecular consequence: missense variant.
Genome position (GRCh38, 1-based): chr17:31,327,499, G>T. VCF-style: chr17-31327499-G-T. GRCh37 (hg19) VCF-style: chr17-29654517-G-T.
Other names: c.5206G>T, p.Val1736Phe (NM_000267.4); short protein forms V1736F, V1757F.
Identifiers: ClinVar variation 2500590 (VCV002500590.6), dbSNP rs2151540762, ClinGen allele CA399008861.

ClinVar aggregate classification (germline): Uncertain significance. Review status: criteria provided, multiple submitters, no conflicts (2 of 4 stars). 3 submissions from 3 submitters: Uncertain significance (3). Last evaluated 2026-07-10.

Conditions:
Neurofibromatosis, type 1 (NF1). Also called: Neurofibromatosis, type I; VON RECKLINGHAUSEN DISEASE; NEUROFIBROMATOSIS, TYPE I, SOMATIC; Peripheral type neurofibromatosis. Identifiers: Orphanet 636, MedGen C0027831, MONDO:0018975, OMIM 162200. Disease mechanism: loss of function.
Hereditary cancer-predisposing syndrome. Also called: Hereditary neoplastic syndrome; Neoplastic Syndromes, Hereditary; Tumor predisposition; Hereditary Cancer Syndrome. Identifiers: Orphanet 140162, MedGen C0027672, MeSH D009386, MONDO:0015356.
Cardiovascular phenotype. Identifiers: MedGen CN230736.

Allele frequency attached by ClinVar (database versions not stated): gnomAD exomes below 0.00001.
gnomAD v4.1: 1 of 1,612,272 alleles (0.000062%); no homozygotes.

Submissions (3):

GeneDx
Classification: Uncertain significance. Last evaluated: 2026-07-10. Review status: criteria provided, single submitter. Criteria: GeneDx Variant Classification Process June 2021. Collection method: clinical testing. Allele origin: germline.
Comment: Not observed at significant frequency in large population cohorts (gnomAD); In silico analysis supports that this missense variant has a deleterious effect on protein structure/function; Has not been previously published as pathogenic or benign to our knowledge

Labcorp Genetics (formerly Invitae), Labcorp
Classification: Uncertain significance for Neurofibromatosis, type 1. Last evaluated: 2025-08-08. Review status: criteria provided, single submitter. Criteria: Invitae Variant Classification Sherloc (09022015). Collection method: clinical testing. Allele origin: germline.
Comment: This sequence change replaces valine, which is neutral and non-polar, with phenylalanine, which is neutral and non-polar, at codon 1736 of the NF1 protein (p.Val1736Phe). This variant is not present in population databases (gnomAD no frequency). This variant has not been reported in the literature in individuals affected with NF1-related conditions. ClinVar contains an entry for this variant (Variation ID: 2500590). An algorithm developed to predict the effect of missense changes on protein structure and function (PolyPhen-2) suggests that this variant is likely to be disruptive. Studies have shown that this missense change is associated with altered splicing resulting in multiple RNA products (internal data). In summary, the available evidence is currently insufficient to determine the role of this variant in disease. Therefore, it has been classified as a Variant of Uncertain Significance.

Ambry Genetics
Classification: Uncertain significance for Cardiovascular phenotype; Hereditary cancer-predisposing syndrome. Last evaluated: 2024-02-09. Review status: criteria provided, single submitter. Criteria: Ambry Variant Classification Scheme 2023. Collection method: clinical testing. Allele origin: germline.
Comment: The c.5206G>T variant (also known as p.V1736F) is located in coding exon 37 of the NF1 gene. This change occurs in the first base pair of coding exon 37. This nucleotide position is highly conserved in available vertebrate species. In silico splice site analysis for this alteration is inconclusive and direct evidence is insufficient at this time (Ambry internal data). Based on the available evidence, the clinical significance of this alteration remains unclear.